The following is an entry in ClinVar:

NM_014112.5(TRPS1):c.3334T>C (p.Phe1112Leu)

Gene: TRPS1 (transcriptional repressor GATA binding 1; minus strand). Cytogenetic location: 8q23.3.
Variant type: single nucleotide variant.
Coding change: c.3334T>C on transcript NM_014112.5 (MANE Select); coding-DNA position 3334, T replaced by C.
Protein change: p.Phe1112Leu; replaces phenylalanine 1112 with leucine.
Molecular consequence: missense variant.
Genome position (GRCh38, 1-based): chr8:115,414,574, A>G on the plus strand (T>C on the coding strand, the complement: TRPS1 is on the minus strand). VCF-style: chr8-115414574-A-G. GRCh37 (hg19) VCF-style: chr8-116426802-A-G.
Other names: c.3307T>C, p.Phe1103Leu (NM_001282902.3); c.3313T>C, p.Phe1105Leu (NM_001282903.3); c.3295T>C, p.Phe1099Leu (NM_001330599.2); short protein forms F1099L, F1103L, F1105L, F1112L.
Identifiers: ClinVar variation 3759093 (VCV003759093.2).
Genomic context (GRCh38, chr8:115,414,574, plus strand): 5'-GCTTATATTTACTCCAGAACCGCAGCCAATCAGCTTCACTCTGGAAGTCATTATGTACAA[A>G]GGGAAGTCCAAAAAGTGGGTACTGGTACTTTTCAATAGGGCTGCCTGGTGGTGAATAATT-3'
Protein context (NP_054831.2, residues 1102-1122): KYQYPLFGLP[Phe1112Leu]VHNDFQSEAD

ClinVar aggregate classification (germline): Uncertain significance (1 of 4 stars; one submission).

Conditions:
Trichorhinophalangeal dysplasia type I (TRPS1). Also called: TRICHORHINOPHALANGEAL SYNDROME, TYPE I; TRPS I. Identifiers: Orphanet 77258, MedGen C0432233, MONDO:0008596, OMIM 190350.
Trichorhinophalangeal syndrome, type III (TRPS3). Also called: SUGIO-KAJII SYNDROME. Identifiers: Orphanet 77258, MedGen C1860823, OMIM 190351, MONDO:0008597.

gnomAD v4.1: 17 of 1,613,972 alleles (0.0011%); highest among the groups gnomAD compares: Non-Finnish European, 0.0014%; no homozygotes.

Submission:

Labcorp Genetics (formerly Invitae), Labcorp
Classification: Uncertain significance for Trichorhinophalangeal syndrome, type III; Trichorhinophalangeal dysplasia type I. Last evaluated: 2024-03-16. Review status: criteria provided, single submitter. Criteria: Invitae Variant Classification Sherloc (09022015). Collection method: clinical testing. Allele origin: germline.
Comment: This sequence change replaces phenylalanine, which is neutral and non-polar, with leucine, which is neutral and non-polar, at codon 1112 of the TRPS1 protein (p.Phe1112Leu). This variant is present in population databases (rs751048853, gnomAD 0.0009%). This variant has not been reported in the literature in individuals affected with TRPS1-related conditions. Advanced modeling of protein sequence and biophysical properties (such as structural, functional, and spatial information, amino acid conservation, physicochemical variation, residue mobility, and thermodynamic stability) performed at Invitae indicates that this missense variant is not expected to disrupt TRPS1 protein function with a negative predictive value of 80%. In summary, the available evidence is currently insufficient to determine the role of this variant in disease. Therefore, it has been classified as a Variant of Uncertain Significance.